The following is an entry in ClinVar:

ClinVar aggregate classification (germline): Likely benign. Review status: reviewed by expert panel (3 of 4 stars). 10 submissions from 9 submitters: Likely benign (1). 9 of the submissions do not count toward it. Last evaluated 2017-04-18.

Conditions:
Noonan syndrome 5 (NS5). Also called: RAF1-Related Noonan Syndrome. Identifiers: Orphanet 648, MedGen C1969057, MONDO:0012690, OMIM 611553. Disease mechanism: gain of function.
LEOPARD syndrome 2 (LPRD2). Also called: RAF1-Related LEOPARD Syndrome. Identifiers: Orphanet 500, MedGen C1969056, MONDO:0012691, OMIM 611554.
Noonan syndrome and Noonan-related syndrome. Identifiers: Orphanet 98733, MedGen C5681679, MONDO:0020297.
Dilated cardiomyopathy 1NN. Identifiers: Orphanet 154, MedGen C4014656, MONDO:0014396, OMIM 615916.
RASopathy. Also called: Noonan spectrum disorder; rasopathies. Identifiers: Orphanet 536391, MedGen C5555857, MONDO:0021060.
RAF1-related disorder. Also called: RAF1-related condition; RAF1-related disorders.

Allele frequency attached by ClinVar (database versions not stated): TOPMed 0.00019; gnomAD 0.00020 and 0.00021; gnomAD exomes 0.00021 and 0.00034; ExAC 0.00026.
gnomAD v4.1: 351 of 1,614,164 alleles (0.022%); highest among the groups gnomAD compares: Middle Eastern, 0.15%; no homozygotes.

Submissions (10):

ClinGen RASopathy Variant Curation Expert Panel
Classification: Likely benign for Noonan syndrome and Noonan-related syndrome. Last evaluated: 2017-04-18. Review status: reviewed by expert panel. Criteria: ClinGen RASopathy ACMG Specifications v1. Collection method: curation. Allele origin: germline. Inheritance: Autosomal dominant inheritance.
Comment: The filtering allele frequency of the c.124G>A (p.Ala42Thr) variant in the RAF1 gene is 0.026% (25/66738) of European chromosomes by the Exome Aggregation Consortium, which is a high enough frequency to be classified as likely benign based on thresholds defined by the ClinGen RASopathy Expert Panel (BS1; PMID:29493581)

Blueprint Genetics
Classification: Likely benign. Last evaluated: 2024-11-26. Review status: criteria provided, single submitter. Criteria: ACMG Guidelines, 2015. Collection method: clinical testing. Allele origin: germline. Not counted in ClinVar's aggregate classification.

CeGaT Center for Human Genetics Tuebingen
Classification: Benign. Last evaluated: 2024-11-01. Review status: criteria provided, single submitter. Criteria: CeGaT Center For Human Genetics Tuebingen Variant Classification Criteria Version 2. Collection method: clinical testing. Allele origin: germline. Affected: yes. Observed: 7 variant alleles. Not counted in ClinVar's aggregate classification.
Comment: RAF1: BS1, BS2

Department of Pathology and Laboratory Medicine, Sinai Health System
Classification: Uncertain significance for Noonan syndrome 5; LEOPARD syndrome 2; Dilated cardiomyopathy 1NN. Last evaluated: 2023-04-21. Review status: criteria provided, single submitter. Criteria: ACMG Guidelines, 2015. Collection method: research. Allele origin: germline. Not counted in ClinVar's aggregate classification.

Labcorp Genetics (formerly Invitae), Labcorp
Classification: Likely benign for RASopathy. Last evaluated: 2021-12-09. Review status: criteria provided, single submitter. Criteria: Invitae Variant Classification Sherloc (09022015). Collection method: clinical testing. Allele origin: germline. Not counted in ClinVar's aggregate classification.

Genome Diagnostics Laboratory, The Hospital for Sick Children
Classification: Likely benign for Noonan syndrome and Noonan-related syndrome. Last evaluated: 2018-09-01. Review status: criteria provided, single submitter. Criteria: ACMG Guidelines, 2015. Collection method: clinical testing. Allele origin: germline. Not counted in ClinVar's aggregate classification.

Illumina Laboratory Services, Illumina
Classification: Uncertain significance for LEOPARD syndrome 2. Last evaluated: 2017-04-27. Review status: criteria provided, single submitter. Criteria: ICSL Variant Classification Criteria 13 December 2019. Collection method: clinical testing. Allele origin: germline. Not counted in ClinVar's aggregate classification.

Illumina Laboratory Services, Illumina
Classification: Uncertain significance for Noonan syndrome 5. Last evaluated: 2017-04-27. Review status: criteria provided, single submitter. Criteria: ICSL Variant Classification Criteria 13 December 2019. Collection method: clinical testing. Allele origin: germline. Not counted in ClinVar's aggregate classification.

Breakthrough Genomics
Classification: Likely benign. Review status: criteria provided, single submitter. Criteria: ACMG Guidelines, 2015. Collection method: not provided. Allele origin: germline. Inheritance: Autosomal dominant inheritance. Affected: yes. Not counted in ClinVar's aggregate classification.

PreventionGenetics, part of Exact Sciences
Classification: Likely benign for RAF1-related condition. Last evaluated: 2020-01-14. Review status: no assertion criteria provided. Collection method: clinical testing. Allele origin: germline. Not counted in ClinVar's aggregate classification.
Comment: This variant is classified as likely benign based on ACMG/AMP sequence variant interpretation guidelines (Richards et al. 2015 PMID: 25741868, with internal and published modifications).

NM_002880.4(RAF1):c.124G>A (p.Ala42Thr)

Gene: RAF1 (Raf-1 proto-oncogene, serine/threonine kinase; minus strand). Cytogenetic location: 3p25.2.
Variant type: single nucleotide variant.
Coding change: c.124G>A on transcript NM_002880.4 (MANE Select); coding-DNA position 124, G replaced by A.
Protein change: p.Ala42Thr; replaces alanine 42 with threonine.
Molecular consequence: missense variant. On other transcripts: 5 prime UTR variant (4), non-coding transcript variant (3).
Genome position (GRCh38, 1-based): chr3:12,618,598, C>T on the plus strand (G>A on the coding strand, the complement: RAF1 is on the minus strand). VCF-style: chr3-12618598-C-T. GRCh37 (hg19) VCF-style: chr3-12660097-C-T.
Other names: NM_002880.3(RAF1):c.124G>A; c.124G>A, p.Ala42Thr (NM_001354689.3, NM_001354690.3, NM_001354693.3); c.-7G>A (NM_001354691.3, NM_001354692.3, NM_001354694.3 and 1 more transcripts); short protein forms A42T.
Identifiers: ClinVar variation 448930 (VCV000448930.60), dbSNP rs200856000, ClinGen allele CA2259833.